The following is an entry in ClinVar:

NM_017999.5(RNF31):c.2336C>A (p.Ala779Glu)

Gene: RNF31 (ring finger protein 31; plus strand). Cytogenetic location: 14q12.
Variant type: single nucleotide variant.
Coding change: c.2336C>A on transcript NM_017999.5 (MANE Select); coding-DNA position 2336, C replaced by A.
Protein change: p.Ala779Glu; replaces alanine 779 with glutamic acid.
Molecular consequence: missense variant.
Genome position (GRCh38, 1-based): chr14:24,155,445, C>A. VCF-style: chr14-24155445-C-A. GRCh37 (hg19) VCF-style: chr14-24624654-C-A.
Other names: c.1883C>A, p.Ala628Glu (NM_001310332.2); short protein forms A628E, A779E.
Identifiers: ClinVar variation 1355360 (VCV001355360.8), dbSNP rs557824618, ClinGen allele CA389302487.
Genomic context (GRCh38, chr14:24,155,445, plus strand): 5'-CACCCACCACCTCTGCATCCTGTCCCCAGCTTCGCGAGAGCCTAGAGCCAGATGCCTATG[C>A]GTTGTTCCATAAGAAGCTGACCGAGGGTGTGCTGATGCGGGACCCCAAGTTCTTGTGGTG-3'
Protein context (NP_060469.4, residues 769-789): LRESLEPDAY[Ala779Glu]LFHKKLTEGV

ClinVar aggregate classification (germline): Uncertain significance (1 of 4 stars; one submission).

Submission:

Labcorp Genetics (formerly Invitae), Labcorp
Classification: Uncertain significance. Last evaluated: 2022-06-20. Review status: criteria provided, single submitter. Criteria: Invitae Variant Classification Sherloc (09022015). Collection method: clinical testing. Allele origin: germline.
Comment: This sequence change replaces alanine, which is neutral and non-polar, with glutamic acid, which is acidic and polar, at codon 779 of the RNF31 protein (p.Ala779Glu). This variant is not present in population databases (gnomAD no frequency). This variant has not been reported in the literature in individuals affected with RNF31-related conditions. Algorithms developed to predict the effect of missense changes on protein structure and function (SIFT, PolyPhen-2, Align-GVGD) all suggest that this variant is likely to be tolerated. In summary, the available evidence is currently insufficient to determine the role of this variant in disease. Therefore, it has been classified as a Variant of Uncertain Significance.